The following is an entry in ClinVar:

NM_000169.3(GLA):c.540G>T (p.Leu180Phe)

Genes: GLA (galactosidase alpha; minus strand), RPL36A-HNRNPH2 (RPL36A-HNRNPH2 readthrough; plus strand). Cytogenetic location: Xq22.1.
Variant type: single nucleotide variant.
Coding change: c.540G>T on transcript NM_000169.3 (MANE Select); coding-DNA position 540, G replaced by T.
Protein change: p.Leu180Phe; replaces leucine 180 with phenylalanine.
Molecular consequence: missense variant. On other transcripts: non-coding transcript variant (3), intron variant (2).
Genome position (GRCh38, 1-based): chrX:101,401,639, C>A on the plus strand (G>T on the coding strand, the complement: GLA is on the minus strand). VCF-style: chrX-101401639-C-A. GRCh37 (hg19) VCF-style: chrX-100656627-C-A.
Other names: c.663G>T, p.Leu221Phe (NM_001406747.1, NM_001406749.1); c.540G>T, p.Leu180Phe (NM_001406748.1); c.300+6182C>A (NM_001199973.2); c.177+9817C>A (NM_001199974.2); short protein forms L180F, L221F.
Identifiers: ClinVar variation 217387 (VCV000217387.8), dbSNP rs869312145, ClinGen allele CA353207.

ClinVar aggregate classification (germline): Conflicting classifications of pathogenicity. Review status: criteria provided, conflicting classifications (1 of 4 stars). 5 submissions from 4 submitters: Likely pathogenic (2); Uncertain significance (1). 2 of the submissions do not count toward it. Last evaluated 2026-09-08.

Conditions:
Cardiovascular phenotype. Identifiers: MedGen CN230736.
Fabry disease. Also called: ALPHA-GALACTOSIDASE A DEFICIENCY; ANDERSON-FABRY DISEASE; CERAMIDE TRIHEXOSIDASE DEFICIENCY; Fabry's disease; Angiokeratoma corporis diffusum; Ceramide trihexosidosis. Identifiers: Orphanet 324, MedGen C0002986, MONDO:0010526, OMIM 301500, HP:0001071. Disease mechanism: loss of function, Fabry disease is due to inactivating mutations in the X-linked GLA gene resulting in deficiency of the enzyme Alpha Galactosidase-A..
Migalastat response. Also called: 1-Deoxygalactonojirimycin response; Galafold response. Identifiers: MedGen CN233149.

Submissions (5):

Genomenon, Inc
Classification: Likely pathogenic for Fabry disease. Last evaluated: 2026-09-08. Review status: criteria provided, single submitter. Criteria: Genomenon Sequence Variant Interpretation Standards - Updated. Collection method: curation. Allele origin: germline. Affected: yes.
Comment: GLA p.Leu180Phe (c.540G>T) is a missense variant that changes the amino acid at codon 180 from Leucine to Phenylalanine. This variant has been observed in at least one proband with clinical features consistent with Fabry disease (PMID:26415523). Functional or patient cell studies have been reported (PMID:26415523). It is absent or not present at a significant frequency in gnomAD. In silico models predict that this variant is possibly or probably damaging. In conclusion, we classify GLA p.Leu180Phe (c.540G>T) as a likely pathogenic variant.

Labcorp Genetics (formerly Invitae), Labcorp
Classification: Uncertain significance for Fabry disease. Last evaluated: 2023-07-16. Review status: criteria provided, single submitter. Criteria: Invitae Variant Classification Sherloc (09022015). Collection method: clinical testing. Allele origin: germline.
Comment: In summary, the available evidence is currently insufficient to determine the role of this variant in disease. Therefore, it has been classified as a Variant of Uncertain Significance. Experimental studies have shown that this missense change affects GLA function (PMID: 26415523). Advanced modeling of protein sequence and biophysical properties (such as structural, functional, and spatial information, amino acid conservation, physicochemical variation, residue mobility, and thermodynamic stability) performed at Invitae indicates that this missense variant is not expected to disrupt GLA protein function. ClinVar contains an entry for this variant (Variation ID: 217387). This missense change has been observed in individual(s) with clinical features of Fabry disease (PMID: 26415523, 31860127). This variant is not present in population databases (gnomAD no frequency). This sequence change replaces leucine, which is neutral and non-polar, with phenylalanine, which is neutral and non-polar, at codon 180 of the GLA protein (p.Leu180Phe).

Ambry Genetics
Classification: Likely pathogenic for Cardiovascular phenotype. Last evaluated: 2017-05-22. Review status: criteria provided, single submitter. Criteria: Ambry Variant Classification Scheme 2023. Collection method: clinical testing. Allele origin: germline.
Comment: The p.L180F variant (also known as c.540G>T), located in coding exon 3 of the GLA gene, results from a G to T substitution at nucleotide position 540. The leucine at codon 180 is replaced by phenylalanine, an amino acid with highly similar properties. This alteration was reported in a cohort of subjects with Fabry disease and displayed reduced enzyme activity and was shown to be responsive to pharmacologic chaperone treatment (Lukas J et al. Hum. Mutat., 2016 Jan;37:43-51). This amino acid position is well conserved in available vertebrate species. In addition, this alteration is predicted to be deleterious by in silico analysis. Based on the majority of available evidence to date, this variant is likely to be pathogenic.

Albrecht-Kossel-Institute, Medical University Rostock
Classification: Pathogenic for Fabry's disease. Last evaluated: 2014-01-01. Review status: no assertion criteria provided. Collection method: research. Allele origin: inherited. Not counted in ClinVar's aggregate classification.

Albrecht-Kossel-Institute, Medical University Rostock
Classification: drug response for deoxygalactonojirimycin response. Last evaluated: 2014-01-01. Review status: no assertion criteria provided. Collection method: research. Allele origin: inherited. Not counted in ClinVar's aggregate classification.

Literature cited by the submitters: PubMed 26415523 (cited by 4 submitters); PubMed 31860127 (cited by Labcorp Genetics (formerly Invitae), Labcorp).